The following is an entry in ClinVar:

ClinVar aggregate classification (germline): Uncertain significance. Review status: criteria provided, multiple submitters, no conflicts (2 of 4 stars). 2 submissions from 2 submitters: Uncertain significance (2). Last evaluated 2021-12-16.

Conditions:
Inborn genetic diseases. Identifiers: MedGen C0950123, MeSH D030342.
Hereditary spastic paraplegia 31. Also called: SPASTIC PARAPLEGIA 31, AUTOSOMAL DOMINANT. Identifiers: Orphanet 101011, MedGen C1853247, MONDO:0012453, OMIM 610250.

Submissions (2):

Ambry Genetics
Classification: Uncertain significance for Inborn genetic diseases. Last evaluated: 2021-12-16. Review status: criteria provided, single submitter. Criteria: Ambry Variant Classification Scheme 2023. Collection method: clinical testing. Allele origin: germline.
Comment: The p.S150N variant (also known as c.449G>A), located in coding exon 6 of the REEP1 gene, results from a G to A substitution at nucleotide position 449. The serine at codon 150 is replaced by asparagine, an amino acid with highly similar properties. This amino acid position is conserved. In addition, this alteration is predicted to be deleterious by in silico analysis. Since supporting evidence is limited at this time, the clinical significance of this alteration remains unclear.

Labcorp Genetics (formerly Invitae), Labcorp
Classification: Uncertain significance for Hereditary spastic paraplegia 31. Last evaluated: 2020-08-08. Review status: criteria provided, single submitter. Criteria: Invitae Variant Classification Sherloc (09022015). Collection method: clinical testing. Allele origin: germline.
Comment: Algorithms developed to predict the effect of missense changes on protein structure and function are either unavailable or do not agree on the potential impact of this missense change (SIFT: "Deleterious"; PolyPhen-2: "Possibly Damaging"; Align-GVGD: "Class C0"). In summary, the available evidence is currently insufficient to determine the role of this variant in disease. Therefore, it has been classified as a Variant of Uncertain Significance. This variant has not been reported in the literature in individuals with REEP1-related conditions. This variant is not present in population databases (ExAC no frequency). This sequence change replaces serine with asparagine at codon 150 of the REEP1 protein (p.Ser150Asn). The serine residue is highly conserved and there is a small physicochemical difference between serine and asparagine.

NM_001371279.1(REEP1):c.449G>A (p.Ser150Asn)

Gene: REEP1 (receptor accessory protein 1; minus strand). Cytogenetic location: 2p11.2.
Variant type: single nucleotide variant.
Coding change: c.449G>A on transcript NM_001371279.1 (MANE Select); coding-DNA position 449, G replaced by A.
Protein change: p.Ser150Asn; replaces serine 150 with asparagine.
Molecular consequence: missense variant. On other transcripts: intron variant (1).
Genome position (GRCh38, 1-based): chr2:86,232,771, C>T on the plus strand (G>A on the coding strand, the complement: REEP1 is on the minus strand). VCF-style: chr2-86232771-C-T. GRCh37 (hg19) VCF-style: chr2-86459894-C-T.
Other names: c.470G>A, p.Ser157Asn (NM_001164730.2); c.368G>A, p.Ser123Asn (NM_001164731.2); c.214G>A, p.Ala72Thr (NM_001164732.2); c.449G>A, p.Ser150Asn (NM_022912.3); c.418-15661G>A (NM_001371280.1); short protein forms S150N, S157N, A72T, S123N.
Identifiers: ClinVar variation 838257 (VCV000838257.11), dbSNP rs1675102279, ClinGen allele CA347547549.